The following is an entry in ClinVar:

ClinVar aggregate classification (germline): Uncertain significance (1 of 4 stars; one submission).

Submission:

Labcorp Genetics (formerly Invitae), Labcorp
Classification: Uncertain significance. Last evaluated: 2024-02-23. Review status: criteria provided, single submitter. Criteria: Invitae Variant Classification Sherloc (09022015). Collection method: clinical testing. Allele origin: germline.
Comment: This variant, c.297_320dup, results in the insertion of 8 amino acid(s) of the SLC12A2 protein (p.Ala100_Ala107dup), but otherwise preserves the integrity of the reading frame. This variant is not present in population databases (gnomAD no frequency). This variant has not been reported in the literature in individuals affected with SLC12A2-related conditions. ClinVar contains an entry for this variant (Variation ID: 1921693). Experimental studies and prediction algorithms are not available or were not evaluated, and the functional significance of this variant is currently unknown. In summary, the available evidence is currently insufficient to determine the role of this variant in disease. Therefore, it has been classified as a Variant of Uncertain Significance.

NM_001046.3(SLC12A2):c.297_320dup (p.Ala107_Gly108insAlaAlaAlaAlaAlaAlaAlaAla)

Genes: SLC12A2 (solute carrier family 12 member 2; plus strand), LOC129994526 (ATAC-STARR-seq lymphoblastoid silent region 16295; plus strand). Cytogenetic location: 5q23.3.
Variant type: Duplication.
Coding change: c.297_320dup on transcript NM_001046.3 (MANE Select); coding-DNA positions 297 to 320, 24 bases duplicated (GGCGGCGGCGGCAGCGGCGGCGGC).
Protein change: p.Ala107_Gly108insAlaAlaAlaAlaAlaAlaAlaAla.
Molecular consequence: inframe insertion. On other transcripts: non-coding transcript variant (1).
Genome position (GRCh38, 1-based): chr5:128,084,251-128,084,274, GGCGGCGGCGGCAGCGGCGGCGGC duplicated; duplicating any 24 consecutive bases within chr5:128,084,240-128,084,274 gives the same sequence; the c. name uses the placement nearest the transcript's 3' end. VCF-style (leftmost placement, unchanged base first): chr5-128084239-T-TGCGGCGGCGGCGGCGGCGGCGGCA. GRCh37 (hg19) VCF-style: chr5-127419931-T-TGCGGCGGCGGCGGCGGCGGCGGCA.
Other names: c.297_320dup, p.Ala107_Gly108insAlaAlaAlaAlaAlaAlaAlaAla (NM_001256461.2).
Identifiers: ClinVar variation 1921693 (VCV001921693.5), dbSNP rs560532409, ClinGen allele CA1081346886.